The following is an entry in ClinVar:

NM_006371.5(CRTAP):c.157G>C (p.Asp53His)

Gene: CRTAP (cartilage associated protein; plus strand). Cytogenetic location: 3p22.3.
Variant type: single nucleotide variant.
Coding change: c.157G>C on transcript NM_006371.5 (MANE Select); coding-DNA position 157, G replaced by C.
Protein change: p.Asp53His; replaces aspartic acid 53 with histidine.
Molecular consequence: missense variant.
Genome position (GRCh38, 1-based): chr3:33,114,234, G>C. VCF-style: chr3-33114234-G-C. GRCh37 (hg19) VCF-style: chr3-33155726-G-C.
Other names: c.157G>C, p.Asp53His (NM_001393363.1, NM_001393364.1, NM_001393365.1); c.157G>C (NM_006371.4); short protein forms D53H.
Identifiers: ClinVar variation 1403361 (VCV001403361.9), dbSNP rs752802071, ClinGen allele CA2300211.

ClinVar aggregate classification (germline): Uncertain significance. Review status: criteria provided, multiple submitters, no conflicts (2 of 4 stars). 4 submissions from 4 submitters: Uncertain significance (4). Last evaluated 2026-04-23.

Conditions:
Osteogenesis imperfecta type 7 (OI7). Also called: Osteogenesis imperfecta type 2B; OI type 2B; Osteogenesis imperfecta, perinatal lethal autosomal recessive; OI type IIB; OSTEOGENESIS IMPERFECTA, TYPE IIB; OI type 7. Identifiers: MedGen C1853162, MONDO:0012536, OMIM 610682.
Inborn genetic diseases. Identifiers: MedGen C0950123, MeSH D030342.
CRTAP-related disorder. Also called: CRTAP-related condition.

Allele frequency attached by ClinVar (database versions not stated): gnomAD 0.00001; TOPMed 0.00001.
gnomAD v4.1: 32 of 1,591,764 alleles (0.002%); highest among the groups gnomAD compares: Non-Finnish European, 0.0025%; no homozygotes.

Submissions (4):

PreventionGenetics, part of Exact Sciences
Classification: Uncertain significance for CRTAP-related condition. Last evaluated: 2026-04-23. Review status: criteria provided, single submitter. Criteria: ACMG Guidelines, 2015. Collection method: clinical testing. Allele origin: germline.
Comment: The CRTAP c.157G>C variant is predicted to result in the amino acid substitution p.Asp53His. To our knowledge, this variant has not been reported in the literature. This variant is reported in 0.0054% of alleles in individuals of European (Non-Finnish) descent in gnomAD. At this time, the clinical significance of this variant is uncertain due to the absence of conclusive functional and genetic evidence.

Ambry Genetics
Classification: Uncertain significance for Inborn genetic diseases. Last evaluated: 2025-08-21. Review status: criteria provided, single submitter. Criteria: Ambry Variant Classification Scheme 2023. Collection method: clinical testing. Allele origin: germline.

Blueprint Genetics
Classification: Uncertain significance. Last evaluated: 2022-10-26. Review status: criteria provided, single submitter. Criteria: ACMG Guidelines, 2015. Collection method: clinical testing. Allele origin: germline.

Labcorp Genetics (formerly Invitae), Labcorp
Classification: Uncertain significance for Osteogenesis imperfecta type 7. Last evaluated: 2022-05-31. Review status: criteria provided, single submitter. Criteria: Invitae Variant Classification Sherloc (09022015). Collection method: clinical testing. Allele origin: germline.
Comment: This sequence change replaces aspartic acid, which is acidic and polar, with histidine, which is basic and polar, at codon 53 of the CRTAP protein (p.Asp53His). This variant is present in population databases (rs752802071, gnomAD 0.005%). This variant has not been reported in the literature in individuals affected with CRTAP-related conditions. ClinVar contains an entry for this variant (Variation ID: 1403361). Algorithms developed to predict the effect of missense changes on protein structure and function are either unavailable or do not agree on the potential impact of this missense change (SIFT: "Deleterious"; PolyPhen-2: "Benign"; Align-GVGD: "Class C0"). In summary, the available evidence is currently insufficient to determine the role of this variant in disease. Therefore, it has been classified as a Variant of Uncertain Significance.